The following is an entry in ClinVar:

NM_000094.4(COL7A1):c.6778G>C (p.Gly2260Arg)

Gene: COL7A1 (collagen type VII alpha 1 chain; minus strand). Cytogenetic location: 3p21.31.
Variant type: single nucleotide variant.
Coding change: c.6778G>C on transcript NM_000094.4 (MANE Select); coding-DNA position 6778, G replaced by C.
Protein change: p.Gly2260Arg; replaces glycine 2260 with arginine.
Molecular consequence: missense variant.
Genome position (GRCh38, 1-based): chr3:48,572,915, C>G on the plus strand (G>C on the coding strand, the complement: COL7A1 is on the minus strand). VCF-style: chr3-48572915-C-G. GRCh37 (hg19) VCF-style: chr3-48610348-C-G.
Other names: short protein forms G2260R.
Identifiers: ClinVar variation 1676866 (VCV001676866.2), dbSNP rs2107659720, ClinGen allele CA352654777.

ClinVar aggregate classification (germline): Pathogenic (1 of 4 stars; one submission).

Submission:

GeneDx
Classification: Pathogenic. Last evaluated: 2022-04-12. Review status: criteria provided, single submitter. Criteria: GeneDx Variant Classification Process June 2021. Collection method: clinical testing. Allele origin: germline. Affected: yes.
Comment: Located in the highly conserved Gly-X-Y repeat of the collagenous domain; Glycine substitution variants in this region of the COLVII protein destabilize the collagen triple helix resulting in skin fragility due to poor anchoring of the basement membrane to the underlying dermis (Pfendner and Lucky, 2018); Not observed in large population cohorts (gnomAD); A different missense change at this residue (p.(G2260D)) has been reported as pathogenic at GeneDx and in published literature (Almaani et al., 2011); In silico analysis, which includes protein predictors and evolutionary conservation, supports a deleterious effect; Has not been previously published as pathogenic or benign to our knowledge; This variant is associated with the following publications: (PMID: 21448560)